The following is an entry in ClinVar:

ClinVar aggregate classification (germline): Uncertain significance. Review status: criteria provided, multiple submitters, no conflicts (2 of 4 stars). 2 submissions from 2 submitters: Uncertain significance (2). Last evaluated 2024-07-27.

Allele frequency attached by ClinVar (database versions not stated): gnomAD exomes 0.00002 and 0.00003; ExAC 0.00005; TOPMed 0.00007; gnomAD 0.00008 and 0.00009; ESP Exome Variant Server 0.00015.
gnomAD v4.1: 37 of 1,609,456 alleles (0.0023%); highest among the groups gnomAD compares: African/African-American, 0.016%; no homozygotes.

Submissions (2):

Women's Health and Genetics/Laboratory Corporation of America, LabCorp
Classification: Uncertain significance. Last evaluated: 2024-07-27. Review status: criteria provided, single submitter. Criteria: LabCorp Variant Classification Summary - May 2015. Collection method: clinical testing. Allele origin: germline.

Labcorp Genetics (formerly Invitae), Labcorp
Classification: Uncertain significance. Last evaluated: 2024-06-17. Review status: criteria provided, single submitter. Criteria: Invitae Variant Classification Sherloc (09022015). Collection method: clinical testing. Allele origin: germline.
Comment: This sequence change falls in intron 16 of the BMP1 gene. It does not directly change the encoded amino acid sequence of the BMP1 protein. It affects a nucleotide within the consensus splice site. This variant is present in population databases (rs370232327, gnomAD 0.01%). This variant has not been reported in the literature in individuals affected with BMP1-related conditions. ClinVar contains an entry for this variant (Variation ID: 1441541). Variants that disrupt the consensus splice site are a relatively common cause of aberrant splicing (PMID: 17576681, 9536098). Algorithms developed to predict the effect of sequence changes on RNA splicing suggest that this variant is not likely to affect RNA splicing. In summary, the available evidence is currently insufficient to determine the role of this variant in disease. Therefore, it has been classified as a Variant of Uncertain Significance.

Literature cited by the submitters: PubMed 17576681 (cited by Labcorp Genetics (formerly Invitae), Labcorp); PubMed 9536098 (cited by Labcorp Genetics (formerly Invitae), Labcorp).

NM_006129.5(BMP1):c.2233+4C>T

Gene: BMP1 (bone morphogenetic protein 1; plus strand). Cytogenetic location: 8p21.3.
Variant type: single nucleotide variant.
Coding change: c.2233+4C>T on transcript NM_006129.5 (MANE Select); 4 bases into the intron after coding-DNA position 2233, C replaced by T.
Molecular consequence: intron variant.
Genome position (GRCh38, 1-based): chr8:22,201,932, C>T. VCF-style: chr8-22201932-C-T. GRCh37 (hg19) VCF-style: chr8-22059445-C-T.
Identifiers: ClinVar variation 1441541 (VCV001441541.6), dbSNP rs370232327, ClinGen allele CA4665159.